The following is an entry in ClinVar:

ClinVar aggregate classification (germline): Uncertain significance (1 of 4 stars; one submission).

Allele frequency attached by ClinVar (database versions not stated): gnomAD exomes 0.00002; gnomAD 0.00003; ExAC 0.00004; TOPMed 0.00004.
gnomAD v4.1: 28 of 1,614,054 alleles (0.0017%); highest among the groups gnomAD compares: Middle Eastern, 0.016%; no homozygotes.

Submission:

Labcorp Genetics (formerly Invitae), Labcorp
Classification: Uncertain significance. Last evaluated: 2023-08-02. Review status: criteria provided, single submitter. Criteria: Invitae Variant Classification Sherloc (09022015). Collection method: clinical testing. Allele origin: germline.
Comment: In summary, the available evidence is currently insufficient to determine the role of this variant in disease. Therefore, it has been classified as a Variant of Uncertain Significance. Advanced modeling of protein sequence and biophysical properties (such as structural, functional, and spatial information, amino acid conservation, physicochemical variation, residue mobility, and thermodynamic stability) performed at Invitae indicates that this missense variant is not expected to disrupt TUBB1 protein function. ClinVar contains an entry for this variant (Variation ID: 1976323). This variant has not been reported in the literature in individuals affected with TUBB1-related conditions. This variant is present in population databases (rs781256968, gnomAD 0.06%). This sequence change replaces methionine, which is neutral and non-polar, with threonine, which is neutral and polar, at codon 363 of the TUBB1 protein (p.Met363Thr).

NM_030773.4(TUBB1):c.1088T>C (p.Met363Thr)

Gene: TUBB1 (tubulin beta 1 class VI; plus strand). Cytogenetic location: 20q13.32.
Variant type: single nucleotide variant.
Coding change: c.1088T>C on transcript NM_030773.4 (MANE Select); coding-DNA position 1088, T replaced by C.
Protein change: p.Met363Thr; replaces methionine 363 with threonine.
Molecular consequence: missense variant.
Genome position (GRCh38, 1-based): chr20:59,024,515, T>C. VCF-style: chr20-59024515-T-C. GRCh37 (hg19) VCF-style: chr20-57599570-T-C.
Other names: short protein forms M363T.
Identifiers: ClinVar variation 1976323 (VCV001976323.5), dbSNP rs781256968, ClinGen allele CA9928656.